The following is an entry in ClinVar:

ClinVar aggregate classification (germline): Uncertain significance (1 of 4 stars; one submission).

Conditions:
Alstrom syndrome (ALMS). Identifiers: Orphanet 64, MedGen C0268425, MONDO:0008763, OMIM 203800.

Submission:

Labcorp Genetics (formerly Invitae), Labcorp
Classification: Uncertain significance for Alstrom syndrome. Last evaluated: 2022-06-22. Review status: criteria provided, single submitter. Criteria: Invitae Variant Classification Sherloc (09022015). Collection method: clinical testing. Allele origin: germline.
Comment: In summary, the available evidence is currently insufficient to determine the role of this variant in disease. Therefore, it has been classified as a Variant of Uncertain Significance. This sequence change replaces glutamic acid, which is acidic and polar, with valine, which is neutral and non-polar, at codon 2438 of the ALMS1 protein (p.Glu2438Val). This variant is not present in population databases (gnomAD no frequency). This variant has not been reported in the literature in individuals affected with ALMS1-related conditions. Experimental studies and prediction algorithms are not available or were not evaluated, and the functional significance of this variant is currently unknown.

NM_001378454.1(ALMS1):c.7310A>T (p.Glu2437Val)

Gene: ALMS1 (ALMS1 centrosome and basal body associated protein; plus strand). Cytogenetic location: 2p13.1.
Variant type: single nucleotide variant.
Coding change: c.7310A>T on transcript NM_001378454.1 (MANE Select); coding-DNA position 7310, A replaced by T.
Protein change: p.Glu2437Val; replaces glutamic acid 2437 with valine.
Molecular consequence: missense variant.
Genome position (GRCh38, 1-based): chr2:73,453,837, A>T. VCF-style: chr2-73453837-A-T. GRCh37 (hg19) VCF-style: chr2-73680964-A-T.
Other names: c.7313A>T, p.Glu2438Val (NM_015120.4); short protein forms E2437V, E2438V.
Identifiers: ClinVar variation 2009267 (VCV002009267.4), dbSNP rs2466112082, ClinGen allele CA347292149.
Genomic context (GRCh38, chr2:73,453,837, plus strand): 5'-GTGATGCCAGTGATGGAAATGGTTCCTGCTCGTGGGACAGTAATTTACCAGAGTCTTTGG[A>T]ATCAGTTTCTGATGTTCTTCTAAACTTCTTTCCATATGTTTCACCCAAGACAAGTATAAC-3'
Protein context (NP_001365383.1, residues 2427-2447): SWDSNLPESL[Glu2437Val]SVSDVLLNFF